The following is an entry in ClinVar:

ClinVar aggregate classification (germline): Uncertain significance (1 of 4 stars; one submission).

gnomAD v4.1: 3 of 1,613,344 alleles (0.00019%); highest among the groups gnomAD compares: Admixed American, 0.0033%; no homozygotes.

Submission:

Labcorp Genetics (formerly Invitae), Labcorp
Classification: Uncertain significance. Last evaluated: 2025-03-11. Review status: criteria provided, single submitter. Criteria: Invitae Variant Classification Sherloc (09022015). Collection method: clinical testing. Allele origin: germline.
Comment: This sequence change affects codon 940 of the MAGEL2 mRNA. It is a 'silent' change, meaning that it does not change the encoded amino acid sequence of the MAGEL2 protein. This variant is present in population databases (no rsID available, gnomAD 0.003%). This variant has not been reported in the literature in individuals affected with MAGEL2-related conditions. In summary, the available evidence is currently insufficient to determine the role of this variant in disease. Therefore, it has been classified as a Variant of Uncertain Significance.

NM_019066.5(MAGEL2):c.2820C>T (p.Pro940=)

Gene: MAGEL2 (MAGE family member L2; minus strand). Cytogenetic location: 15q11.2.
Variant type: single nucleotide variant.
Coding change: c.2820C>T on transcript NM_019066.5 (MANE Select); coding-DNA position 2820, C replaced by T.
Protein change: p.Pro940=; no amino-acid change (proline 940 retained).
Molecular consequence: synonymous variant.
Genome position (GRCh38, 1-based): chr15:23,644,923, G>A on the plus strand (C>T on the coding strand, the complement: MAGEL2 is on the minus strand). VCF-style: chr15-23644923-G-A. GRCh37 (hg19) VCF-style: chr15-23890070-G-A.
Identifiers: ClinVar variation 4702399 (VCV004702399.1).